The following is an entry in ClinVar:

ClinVar aggregate classification (germline): Pathogenic. Review status: criteria provided, multiple submitters, no conflicts (2 of 4 stars). 2 submissions from 2 submitters: Pathogenic (2). Last evaluated 2014-03-31.

Conditions:
Inborn genetic diseases. Identifiers: MedGen C0950123, MeSH D030342.

Submissions (2):

Ambry Genetics
Classification: Pathogenic for Inborn genetic diseases. Last evaluated: 2014-03-31. Review status: criteria provided, single submitter. Criteria: Ambry Autosomal Dominant and X-Linked criteria (10/2015). Collection method: clinical testing. Allele origin: germline. Observed: 1 variant allele.

GeneDx
Classification: Pathogenic. Last evaluated: 2013-06-24. Review status: criteria provided, single submitter. Criteria: GeneDx Variant Classification (06012015). Collection method: clinical testing. Allele origin: germline. Affected: yes.
Comment: c.2126_2127delCT: p.Pro709ArgfsX155 (P709Rfsx155) in exon 17 of the KCNQ2 gene (NM_172107.2). The normal sequence with the bases that are deleted in braces is: GCCCC{CT}GTCCA.The c.2126_2127delCT mutation in the KCNQ2 gene causes a frameshift starting with codon Proline 709, changes this amino acid to an Arginine residue and creates a premature Stop codon at position 155 of the new reading frame, denoted p.Pro709ArgfsX155. This mutation results in the replacement of the last 164 amino acids of the protein with 154 incorrect amino acids. Although this mutation has not been previously reported to our knowledge, other frameshift mutations in KCNQ2 have been published in association with epilepsy. The variant is found in INFANT-EPI panel(s).

NM_172107.4(KCNQ2):c.2126_2127del (p.Pro709fs)

Gene: KCNQ2 (potassium voltage-gated channel subfamily Q member 2; minus strand). Cytogenetic location: 20q13.33.
Variant type: Deletion.
Coding change: c.2126_2127del on transcript NM_172107.4 (MANE Select); coding-DNA positions 2126 to 2127, 2 bases deleted (CT; older notation c.2126_2127delCT).
Protein change: p.Pro709fs; shifts the reading frame from proline 709.
Molecular consequence: frameshift variant.
Genome position (GRCh38, 1-based): chr20:63,407,136-63,407,137, AG deleted on the plus strand (CT on the coding strand, the reverse complement: KCNQ2 is on the minus strand). VCF-style (leftmost placement, unchanged base first): chr20-63407135-CAG-C. GRCh37 (hg19) VCF-style: chr20-62038488-CAG-C.
Other names: c.2042_2043del, p.Pro681fs (NM_004518.6); c.2072_2073del, p.Pro691fs (NM_172106.3); c.2033_2034del, p.Pro678fs (NM_172108.5); short protein forms P678fs, P691fs, P709fs, P681fs.
Identifiers: ClinVar variation 205945 (VCV000205945.4), dbSNP rs796052667, ClinGen allele CA204876.